The following is an entry in ClinVar:

NM_138295.5(PKD1L1):c.2206C>T (p.His736Tyr)

Gene: PKD1L1 (polycystin 1 like 1, transient receptor potential channel interacting; minus strand). Cytogenetic location: 7p12.3.
Variant type: single nucleotide variant.
Coding change: c.2206C>T on transcript NM_138295.5 (MANE Select); coding-DNA position 2206, C replaced by T.
Protein change: p.His736Tyr; replaces histidine 736 with tyrosine.
Molecular consequence: missense variant.
Genome position (GRCh38, 1-based): chr7:47,898,053, G>A on the plus strand (C>T on the coding strand, the complement: PKD1L1 is on the minus strand). VCF-style: chr7-47898053-G-A. GRCh37 (hg19) VCF-style: chr7-47937650-G-A.
Other names: short protein forms H736Y.
Identifiers: ClinVar variation 4780449 (VCV004780449.1).

ClinVar aggregate classification (germline): Uncertain significance (1 of 4 stars; one submission).

gnomAD v4.1: 13 of 1,613,668 alleles (0.00081%); highest among the groups gnomAD compares: Non-Finnish European, 0.001%; no homozygotes.

Submission:

Labcorp Genetics (formerly Invitae), Labcorp
Classification: Uncertain significance. Last evaluated: 2025-07-22. Review status: criteria provided, single submitter. Criteria: Invitae Variant Classification Sherloc (09022015). Collection method: clinical testing. Allele origin: germline.
Comment: This sequence change replaces histidine, which is basic and polar, with tyrosine, which is neutral and polar, at codon 736 of the PKD1L1 protein (p.His736Tyr). This variant is present in population databases (rs367993253, gnomAD 0.005%). This variant has not been reported in the literature in individuals affected with PKD1L1-related conditions. Invitae Evidence Modeling of protein sequence and biophysical properties (such as structural, functional, and spatial information, amino acid conservation, physicochemical variation, residue mobility, and thermodynamic stability) indicates that this missense variant is expected to disrupt PKD1L1 protein function with a positive predictive value of 80%. In summary, the available evidence is currently insufficient to determine the role of this variant in disease. Therefore, it has been classified as a Variant of Uncertain Significance.